The following is an entry in ClinVar:

ClinVar aggregate classification (germline): Pathogenic/Likely pathogenic. Review status: criteria provided, multiple submitters, no conflicts (2 of 4 stars). 3 submissions from 3 submitters: Pathogenic (1); Likely pathogenic (2). Last evaluated 2024-07-24.

Conditions:
Muscular dystrophy-dystroglycanopathy (congenital with brain and eye anomalies), type a, 10 (MDDGA10). Also called: WALKER-WARBURG SYNDROME OR MUSCLE-EYE-BRAIN DISEASE, TMEM5-RELATED. Identifiers: Orphanet 899, MedGen C3554381, MONDO:0014022, OMIM 615041.

Allele frequency attached by ClinVar (database versions not stated): gnomAD exomes 0.00002; ExAC 0.00002; TOPMed 0.00007.
gnomAD v4.1: 20 of 1,612,418 alleles (0.0012%); highest among the groups gnomAD compares: African/African-American, 0.015%; no homozygotes.

Submissions (3):

GeneDx
Classification: Likely pathogenic. Last evaluated: 2024-07-24. Review status: criteria provided, single submitter. Criteria: GeneDx Variant Classification Process June 2021. Collection method: clinical testing. Allele origin: germline. Affected: yes.
Comment: Observed in homozygous state in a probands with Walker-Warburg syndrome in the literature and not observed in homozygous state in controls (PMID: 27130732, 33199158); Functional studies show that the G333R variant disrupts the function of the RXYTL1 protein (PMID: 27130732); In silico analysis supports that this missense variant has a deleterious effect on protein structure/function; This variant is associated with the following publications: (PMID: 33199158, 27130732)

Labcorp Genetics (formerly Invitae), Labcorp
Classification: Pathogenic. Last evaluated: 2023-05-31. Review status: criteria provided, single submitter. Criteria: Invitae Variant Classification Sherloc (09022015). Collection method: clinical testing. Allele origin: germline.
Comment: This sequence change replaces glycine, which is neutral and non-polar, with arginine, which is basic and polar, at codon 333 of the RXYLT1 protein (p.Gly333Arg). For these reasons, this variant has been classified as Pathogenic. Experimental studies have shown that this missense change affects RXYLT1 function (PMID: 27130732). Advanced modeling of protein sequence and biophysical properties (such as structural, functional, and spatial information, amino acid conservation, physicochemical variation, residue mobility, and thermodynamic stability) performed at Invitae indicates that this missense variant is expected to disrupt RXYLT1 protein function. ClinVar contains an entry for this variant (Variation ID: 854859). This missense change has been observed in individuals with Walker-Warburg syndrome (PMID: 27130732). It has also been observed to segregate with disease in related individuals. This variant is present in population databases (rs777596548, gnomAD 0.02%).

Juno Genomics, Hangzhou Juno Genomics, Inc
Classification: Likely pathogenic for Muscular dystrophy-dystroglycanopathy (congenital with brain and eye anomalies), type a, 10. Review status: criteria provided, single submitter. Criteria: ACMG Guidelines, 2015. Collection method: clinical testing. Allele origin: germline. Affected: yes.
Comment: Absent from controls (or at extremely low frequency if recessive) in Genome Aggregation Database, Exome Sequencing Project, 1000 Genomes Project, or Exome Aggregation Consortium.;Well-established in vitro or in vivo functional studies supportive of a damaging effect on the gene or gene product.;For recessive disorders, detected in trans with a pathogenic variant.;Patient's phenotype or family history is highly specific for a disease with a single genetic etiology.;Co-segregation with disease in multiple affected family members in a gene definitively known to cause the disease.

Literature cited by the submitters: PubMed 27130732 (cited by Labcorp Genetics (formerly Invitae), Labcorp).

NM_014254.3(RXYLT1):c.997G>A (p.Gly333Arg)

Gene: RXYLT1 (ribitol xylosyltransferase 1; plus strand). Cytogenetic location: 12q14.2.
Variant type: single nucleotide variant.
Coding change: c.997G>A on transcript NM_014254.3 (MANE Select); coding-DNA position 997, G replaced by A.
Protein change: p.Gly333Arg; replaces glycine 333 with arginine.
Molecular consequence: missense variant.
Genome position (GRCh38, 1-based): chr12:63,808,757, G>A. VCF-style: chr12-63808757-G-A. GRCh37 (hg19) VCF-style: chr12-64202537-G-A.
Other names: c.217G>A, p.Gly73Arg (NM_001278237.2); short protein forms G333R, G73R.
Identifiers: ClinVar variation 854859 (VCV000854859.11), dbSNP rs777596548, ClinGen allele CA6666222.